The following is an entry in ClinVar:

NM_001103.4(ACTN2):c.1714C>T (p.Arg572Trp)

Gene: ACTN2 (actinin alpha 2; plus strand). Cytogenetic location: 1q43.
Variant type: single nucleotide variant.
Coding change: c.1714C>T on transcript NM_001103.4 (MANE Select); coding-DNA position 1714, C replaced by T.
Protein change: p.Arg572Trp; replaces arginine 572 with tryptophan.
Molecular consequence: missense variant.
Genome position (GRCh38, 1-based): chr1:236,751,527, C>T. VCF-style: chr1-236751527-C-T. GRCh37 (hg19) VCF-style: chr1-236914827-C-T.
Other names: c.1714C>T, p.Arg572Trp (NM_001278343.2); c.1090C>T, p.Arg364Trp (NM_001278344.2); short protein forms R572W, R364W.
Identifiers: ClinVar variation 43914 (VCV000043914.23), dbSNP rs142142718, ClinGen allele CA133148.

ClinVar aggregate classification (germline): Conflicting classifications of pathogenicity. Review status: criteria provided, conflicting classifications (1 of 4 stars). 6 submissions from 6 submitters: Uncertain significance (4); Likely benign (2). Last evaluated 2026-03-05.

Conditions:
ACTN2-related disorder. Also called: ACTN2 related condition; ACTN2-related disorders.
Cardiovascular phenotype. Identifiers: MedGen CN230736.
Dilated cardiomyopathy 1AA (CMD1AA). Also called: Cardiomyopathy, dilated, 1AA, with or without LVNC; CARDIOMYOPATHY, DILATED, 1AA, WITH OR WITHOUT LEFT VENTRICULAR NONCOMPACTION; CARDIOMYOPATHY, FAMILIAL HYPERTROPHIC, 23, WITH OR WITHOUT LEFT VENTRICULAR NONCOMPACTION. Identifiers: Orphanet 154, MedGen C2677338, MONDO:0012808, OMIM 612158.
Primary familial hypertrophic cardiomyopathy (HCM). Identifiers: Orphanet 99739, MedGen C0949658, MeSH D024741, MONDO:0024573. Inheritance: Various modes of inheritance.

Allele frequency attached by ClinVar (database versions not stated): gnomAD exomes 0.00002 and 0.00004; ExAC 0.00005; TOPMed 0.00010; gnomAD 0.00011; ESP Exome Variant Server 0.00023.
gnomAD v4.1: 41 of 1,613,940 alleles (0.0025%); highest among the groups gnomAD compares: African/African-American, 0.029%; no homozygotes.

Submissions (6):

PreventionGenetics, part of Exact Sciences
Classification: Likely benign for ACTN2-related condition. Last evaluated: 2026-03-05. Review status: criteria provided, single submitter. Criteria: ACMG Guidelines, 2015. Collection method: clinical testing. Allele origin: germline.
Comment: This variant is classified as likely benign based on ACMG/AMP sequence variant interpretation guidelines (Richards et al. 2015 PMID: 25741868, with internal and published modifications).

Labcorp Genetics (formerly Invitae), Labcorp
Classification: Likely benign for Primary familial hypertrophic cardiomyopathy; Dilated cardiomyopathy 1AA. Last evaluated: 2025-11-17. Review status: criteria provided, single submitter. Criteria: Invitae Variant Classification Sherloc (09022015). Collection method: clinical testing. Allele origin: germline.

GeneDx
Classification: Uncertain significance. Last evaluated: 2022-09-06. Review status: criteria provided, single submitter. Criteria: GeneDx Variant Classification Process June 2021. Collection method: clinical testing. Allele origin: germline. Affected: yes.
Comment: In silico analysis supports that this missense variant does not alter protein structure/function; This variant is associated with the following publications: (PMID: 27532257, 24503780)

Ambry Genetics
Classification: Uncertain significance for Cardiovascular phenotype. Last evaluated: 2022-02-11. Review status: criteria provided, single submitter. Criteria: Ambry Variant Classification Scheme 2023. Collection method: clinical testing. Allele origin: germline.

Stanford Center for Inherited Cardiovascular Disease, Stanford University
Classification: Uncertain significance. Last evaluated: 2017-09-22. Review status: criteria provided, single submitter. Criteria: ACMG Guidelines, 2015. Collection method: provider interpretation. Allele origin: germline.

Laboratory for Molecular Medicine, Mass General Brigham Personalized Medicine
Classification: Uncertain significance. Last evaluated: 2011-02-10. Review status: criteria provided, single submitter. Criteria: LMM Criteria. Collection method: clinical testing. Allele origin: germline. Observed: 1 variant allele.
Comment: Variant classified as Uncertain Significance - Favor Pathogenic. Please note: we have only sequenced the ACTN2 in 45 Black individuals and healthy control information is unavailable fro m either public databases or scientific literature, such that the full spectrum of benign variation has not yet been defined for this population. Future analysi s could reveal that the Arg572Trp variant is common and therefore unlikely to be pathogenic. However, arginine (Arg) at position 572 is highly conserved across evolutionary distant species, increasing the likelihood that the change is patho genic. In addition, computational analyses (PolyPhen2, SIFT, AlignGVGD) suggest that the variant may impact the protein although this information is not predict ive enough to assume pathogenicity. In summary, the clinical significance of th is variant cannot be determined without further studies.